The following is an entry in ClinVar:

ClinVar aggregate classification (germline): Uncertain significance (1 of 4 stars; one submission).

Submission:

Labcorp Genetics (formerly Invitae), Labcorp
Classification: Uncertain significance. Last evaluated: 2016-05-20. Review status: criteria provided, single submitter. Criteria: Invitae Variant Classification Sherloc (09022015). Collection method: clinical testing. Allele origin: germline.
Comment: In summary, this is a novel duplication of the entire genomic sequence of the POLE gene. The effect of this duplication on POLE function can not be unequivocally established. Therefore, it has been classified as a Variant of Uncertain Significance. Whole gene duplications of POLE have not been reported in the literature. A gross duplication of the genomic region encompassing the full coding sequence of the POLE gene has been identified. The boundaries of this event are unknown as the duplication extends beyond the assayed region for this gene and therefore may encompass additional genes. As the precise location of this duplication is unknown, it may be in tandem or it may be located elsewhere in the genome.

NC_000012.11:g.(?_133201277)_(133263907_?)dup

Genes: POLE (DNA polymerase epsilon, catalytic subunit; minus strand), LOC130009266 (ATAC-STARR-seq lymphoblastoid silent region 5123; plus strand). Cytogenetic location: 12q24.33.
Variant type: Duplication.
Identifiers: ClinVar variation 473430 (VCV000473430.8).